The following is an entry in ClinVar:

ClinVar aggregate classification (germline): Likely benign. Review status: criteria provided, multiple submitters, no conflicts (2 of 4 stars). 2 submissions from 2 submitters: Likely benign (2). Last evaluated 2025-03-04.

Conditions:
Charcot-Marie-Tooth disease axonal type 2C (HMSN2C). Also called: Charcot-Marie-Tooth Disease Type 2, TRPV4-Related (CMT2C); CHARCOT-MARIE-TOOTH DISEASE, AXONAL, AUTOSOMAL DOMINANT, TYPE 2C; Charcot-Marie-Tooth Neuropathy Type 2C. Identifiers: Orphanet 99937, MedGen C1853710, MONDO:0011633, OMIM 606071.

Allele frequency attached by ClinVar (database versions not stated): gnomAD 0.00001; gnomAD exomes 0.00001 and 0.00005; ExAC 0.00002; TOPMed 0.00002; ESP Exome Variant Server 0.00008.
gnomAD v4.1: 76 of 1,614,096 alleles (0.0047%); highest among the groups gnomAD compares: Non-Finnish European, 0.0063%; no homozygotes.

Submissions (2):

Labcorp Genetics (formerly Invitae), Labcorp
Classification: Likely benign for Charcot-Marie-Tooth disease axonal type 2C. Last evaluated: 2025-03-04. Review status: criteria provided, single submitter. Criteria: Invitae Variant Classification Sherloc (09022015). Collection method: clinical testing. Allele origin: germline.

CeGaT Center for Human Genetics Tuebingen
Classification: Likely benign. Last evaluated: 2023-05-01. Review status: criteria provided, single submitter. Criteria: CeGaT Center For Human Genetics Tuebingen Variant Classification Criteria Version 2. Collection method: clinical testing. Allele origin: germline. Affected: yes. Observed: 1 variant allele.
Comment: TRPV4: BP4, BP7

NM_021625.5(TRPV4):c.624C>T (p.Asp208=)

Gene: TRPV4 (transient receptor potential cation channel subfamily V member 4; minus strand). Cytogenetic location: 12q24.11.
Variant type: single nucleotide variant.
Coding change: c.624C>T on transcript NM_021625.5 (MANE Select); coding-DNA position 624, C replaced by T.
Protein change: p.Asp208=; no amino-acid change (aspartic acid 208 retained).
Molecular consequence: synonymous variant.
Genome position (GRCh38, 1-based): chr12:109,803,079, G>A on the plus strand (C>T on the coding strand, the complement: TRPV4 is on the minus strand). VCF-style: chr12-109803079-G-A. GRCh37 (hg19) VCF-style: chr12-110240884-G-A.
Other names: c.624C>T, p.Asp208= (NM_001177428.2, NM_001177433.2, NM_147204.3); c.522C>T, p.Asp174= (NM_001177431.2).
Identifiers: ClinVar variation 1560967 (VCV001560967.30), dbSNP rs372000524, ClinGen allele CA6780490.
Genomic context (GRCh38, chr12:109,803,079, plus strand): 5'-GTTAATGAACTCCCTCATGTTGCCGGTGCGCTCCGCGATGTCCAGCAGCACAGGGATGGT[G>A]TCGTTGCGGCCATTGCTCAGGTTCAGCAAGGCCTTGGGCAGGCAGGTCTTCCCCGTAGAT-3'
Protein context (NP_067638.3, residues 198-218): ALLNLSNGRN[Asp208=]TIPVLLDIAE